The following is an entry in ClinVar:

ClinVar aggregate classification (germline): Uncertain significance. Review status: criteria provided, multiple submitters, no conflicts (2 of 4 stars). 3 submissions from 3 submitters: Uncertain significance (2). 1 of the submissions does not count toward it. Last evaluated 2026-01-05.

Conditions:
Cohen syndrome (COH1). Also called: PEPPER SYNDROME; Cutis verticis gyrata, retinitis pigmentosa, and sensorineural deafness. Identifiers: Orphanet 193, MedGen C0265223, MONDO:0008999, OMIM 216550.

Allele frequency attached by ClinVar (database versions not stated): gnomAD exomes below 0.00001; TOPMed below 0.00001; gnomAD 0.00001.
gnomAD v4.1: 2 of 1,614,018 alleles (0.00012%); highest among the groups gnomAD compares: East Asian, 0.0045%; no homozygotes.

Submissions (3):

Labcorp Genetics (formerly Invitae), Labcorp
Classification: Uncertain significance for Cohen syndrome. Last evaluated: 2026-01-05. Review status: criteria provided, single submitter. Criteria: Invitae Variant Classification Sherloc (09022015). Collection method: clinical testing. Allele origin: germline.
Comment: This sequence change replaces proline, which is neutral and non-polar, with serine, which is neutral and polar, at codon 3910 of the VPS13B protein (p.Pro3910Ser). This variant is present in population databases (no rsID available, gnomAD 0.006%). This missense change has been observed in individual(s) with clinical features of Cohen syndrome (PMID: 37690893). ClinVar contains an entry for this variant (Variation ID: 1041990). Invitae Evidence Modeling of protein sequence and biophysical properties (such as structural, functional, and spatial information, amino acid conservation, physicochemical variation, residue mobility, and thermodynamic stability) indicates that this missense variant is expected to disrupt VPS13B protein function with a positive predictive value of 80%. In summary, the available evidence is currently insufficient to determine the role of this variant in disease. Therefore, it has been classified as a Variant of Uncertain Significance.

Women's Health and Genetics/Laboratory Corporation of America, LabCorp
Classification: Uncertain significance. Last evaluated: 2025-01-06. Review status: criteria provided, single submitter. Criteria: LabCorp Variant Classification Summary - May 2015. Collection method: clinical testing. Allele origin: germline.
Comment: Variant summary: VPS13B c.11728C>T (p.Pro3910Ser) results in a non-conservative amino acid change in the encoded protein sequence. Three of five in-silico tools predict a damaging effect of the variant on protein function. The variant allele was found at a frequency of 4e-06 in 251444 control chromosomes (gnomAD). The available data on variant occurrences in the general population are insufficient to allow any conclusion about variant significance. c.11728C>T has been reported in the literature in an individual affected with Cohen Syndrome (Shu_2023). These data do not allow any conclusion about variant significance. To our knowledge, no experimental evidence demonstrating an impact on protein function has been reported. The following publication has been ascertained in the context of this evaluation (PMID: 37690893). ClinVar contains an entry for this variant (Variation ID: 1041990). Based on the evidence outlined above, the variant was classified as uncertain significance.

Natera, Inc.
Classification: Uncertain significance for Cohen syndrome. Last evaluated: 2020-02-13. Review status: no assertion criteria provided. Collection method: clinical testing. Allele origin: germline. Not counted in ClinVar's aggregate classification.

Literature cited by the submitters: PubMed 37690893 (cited by Labcorp Genetics (formerly Invitae), Labcorp and Women's Health and Genetics/Laboratory Corporation of America, LabCorp).

NM_152564.5(VPS13B):c.11653C>T (p.Pro3885Ser)

Gene: VPS13B (vacuolar protein sorting 13 homolog B; plus strand). Cytogenetic location: 8q22.2.
Variant type: single nucleotide variant.
Coding change: c.11653C>T on transcript NM_152564.5 (MANE Select); coding-DNA position 11653, C replaced by T.
Protein change: p.Pro3885Ser; replaces proline 3885 with serine.
Molecular consequence: missense variant.
Genome position (GRCh38, 1-based): chr8:99,871,605, C>T. VCF-style: chr8-99871605-C-T. GRCh37 (hg19) VCF-style: chr8-100883833-C-T.
Other names: c.11728C>T, p.Pro3910Ser (NM_017890.5); short protein forms P3910S, P3885S.
Identifiers: ClinVar variation 1041990 (VCV001041990.12), dbSNP rs1272962312, ClinGen allele CA371794734.
Genomic context (GRCh38, chr8:99,871,605, plus strand): 5'-CTGACATCAGAAGTGCTCTTCGTGGTGAGTGTCAGTGAGGACACACAGCAGCAGGCCTTC[C>T]CCGTCACAGAAATCGACTGTGCACAGGACAGCAAGCAGAACAACTTACTCACAGTGCAGC-3'
Protein context (NP_689777.3, residues 3875-3895): VSEDTQQQAF[Pro3885Ser]VTEIDCAQDS